The following is an entry in ClinVar:

ClinVar aggregate classification (germline): Likely benign. Review status: criteria provided, single submitter (1 of 4 stars). 2 submissions from 2 submitters: Likely benign (1). 1 of the submissions does not count toward it. Last evaluated 2025-06-12.

Conditions:
ADCY10-related disorder. Also called: ADCY10-related condition.

Allele frequency attached by ClinVar (database versions not stated): ExAC 0.00004; gnomAD 0.00005; TOPMed 0.00005; ESP Exome Variant Server 0.00015.

Submissions (2):

Labcorp Genetics (formerly Invitae), Labcorp
Classification: Likely benign. Last evaluated: 2025-06-12. Review status: criteria provided, single submitter. Criteria: Invitae Variant Classification Sherloc (09022015). Collection method: clinical testing. Allele origin: germline.

PreventionGenetics, part of Exact Sciences
Classification: Likely benign for ADCY10-related condition. Last evaluated: 2022-08-05. Review status: no assertion criteria provided. Collection method: clinical testing. Allele origin: germline. Not counted in ClinVar's aggregate classification.
Comment: This variant is classified as likely benign based on ACMG/AMP sequence variant interpretation guidelines (Richards et al. 2015 PMID: 25741868, with internal and published modifications).

NM_018417.6(ADCY10):c.4212C>T (p.His1404=)

Gene: ADCY10 (adenylate cyclase 10; minus strand). Cytogenetic location: 1q24.2.
Variant type: single nucleotide variant.
Coding change: c.4212C>T on transcript NM_018417.6 (MANE Select); coding-DNA position 4212, C replaced by T.
Protein change: p.His1404=; no amino-acid change (histidine 1404 retained).
Molecular consequence: synonymous variant.
Genome position (GRCh38, 1-based): chr1:167,822,098, G>A on the plus strand (C>T on the coding strand, the complement: ADCY10 is on the minus strand). VCF-style: chr1-167822098-G-A. GRCh37 (hg19) VCF-style: chr1-167791336-G-A.
Other names: c.3753C>T, p.His1251= (NM_001167749.3); c.3936C>T, p.His1312= (NM_001297772.2).
Identifiers: ClinVar variation 2177083 (VCV002177083.6), dbSNP rs148081594, ClinGen allele CA1227113.